The following is an entry in ClinVar:

ClinVar aggregate classification (germline): Pathogenic. Review status: criteria provided, single submitter (1 of 4 stars). 2 submissions from 2 submitters: Pathogenic (1). 1 of the submissions does not count toward it. Last evaluated 2025-01-28.

Conditions:
Neuronal ceroid lipofuscinosis 1 (CLN1). Also called: CEROID LIPOFUSCINOSIS, NEURONAL, 1, VARIABLE AGE AT ONSET; PPT1-Related Neuronal Ceroid-Lipofuscinosis. Identifiers: Orphanet 228329, MedGen C1850451, MONDO:0009744, OMIM 256730.

Allele frequency attached by ClinVar (database versions not stated): gnomAD 0.00001.
gnomAD v4.1: 1 of 1,613,962 alleles (0.000062%); highest among the groups gnomAD compares: Non-Finnish European, 0.000085%; no homozygotes.

Submissions (2):

Natera, Inc.
Classification: Pathogenic for Neuronal ceroid lipofuscinosis 1. Last evaluated: 2025-01-28. Review status: criteria provided, single submitter. Criteria: Natera Variant Classification Schema (03/2026). Collection method: clinical testing. Allele origin: germline.
Comment: The c.124+1G>A variant in PPT1 is a canonical splice donor site variant predicted to affect pre-mRNA splicing, which may result in an abnormal transcript and altered protein product. This variant is expected to result in nonsense mediated decay, truncation, or a dysfunctional protein product. This variant is rare in the general population with a frequency below the threshold expected for the associated phenotype(s). This variant has been observed in one or more individuals affected with the associated recessive disease, as either homozygous or compound heterozygous with a second variant (PMID: 35217970). Given the available evidence, this variant is classified as Pathogenic.

Juha Muilu Group; Institute for Molecular Medicine Finland (FIMM)
Classification: Likely pathogenic for Ceroid lipofuscinosis neuronal 1. Review status: no assertion criteria provided. Collection method: not provided. Allele origin: unknown. Not counted in ClinVar's aggregate classification.
Comment: FinDis database variant: This variant was not found or characterized by our laboratory, data were collected from public sources: see reference
ClinVar note: Converted during submission from probable-pathogenic to Likely pathogenic.

Literature cited by the submitters: PubMed 35217970 (cited by Natera, Inc.).

NM_000310.4(PPT1):c.124+1G>A

Genes: PPT1 (palmitoyl-protein thioesterase 1; minus strand), LOC129930245 (ATAC-STARR-seq lymphoblastoid active region 829; plus strand). Cytogenetic location: 1p34.2.
Variant type: single nucleotide variant.
Coding change: c.124+1G>A on transcript NM_000310.4 (MANE Select); the canonical splice donor site of the intron after coding-DNA position 124, G replaced by A.
Molecular consequence: splice donor variant.
Genome position (GRCh38, 1-based): chr1:40,097,114, C>T on the plus strand (G>A on the coding strand, the complement: PPT1 is on the minus strand). VCF-style: chr1-40097114-C-T. GRCh37 (hg19) VCF-style: chr1-40562786-C-T.
Other names: c.124+1G>A (NM_001142604.2, NM_001363695.2).
Identifiers: ClinVar variation 56176 (VCV000056176.6), dbSNP rs386833628, ClinGen allele CA263470.
Genomic context (GRCh38, chr1:40,097,114, plus strand): 5'-GCGAACCCAGGCTAGGAAGAGAGAGAATCGCCAAACCCTTTTAAATTTCTCACTCACTCA[C>T]CCATCCCATGCCAGATCACCAACGGCAGCGGCGCCGGCGGGTCCAGATGCTGCAGCGCCC-3'